The following is an entry in ClinVar:

NM_001282225.2(ADA2):c.1367A>G (p.Tyr456Cys)

Gene: ADA2 (adenosine deaminase 2; minus strand). Cytogenetic location: 22q11.1.
Variant type: single nucleotide variant.
Coding change: c.1367A>G on transcript NM_001282225.2 (MANE Select); coding-DNA position 1367, A replaced by G.
Protein change: p.Tyr456Cys; replaces tyrosine 456 with cysteine.
Molecular consequence: missense variant.
Genome position (GRCh38, 1-based): chr22:17,181,895, T>C on the plus strand (A>G on the coding strand, the complement: ADA2 is on the minus strand). VCF-style: chr22-17181895-T-C. GRCh37 (hg19) VCF-style: chr22-17662785-T-C.
Other names: c.1367A>G, p.Tyr456Cys (NM_001282226.2); c.1241A>G, p.Tyr414Cys (NM_001282227.2, NM_001282228.2); c.1007A>G, p.Tyr336Cys (NM_001282229.2); c.644A>G, p.Tyr215Cys (NM_177405.3); short protein forms Y456C, Y414C, Y215C, Y336C.
Identifiers: ClinVar variation 624611 (VCV000624611.11), dbSNP rs747774101, ClinGen allele CA10087889.

ClinVar aggregate classification (germline): Pathogenic (1 of 4 stars; one submission).

Conditions:
Deficiency of adenosine deaminase 2. Also called: Polyarteritis nodosa, childhoood-onset; Adenosine Deaminase 2 Deficiency; VASCULITIS, AUTOINFLAMMATION, IMMUNODEFICIENCY, AND HEMATOLOGIC DEFECTS SYNDROME. Identifiers: Orphanet 404553, MedGen C3887654, MONDO:0014306, OMIM 615688, MONDO:0100317.

Allele frequency attached by ClinVar (database versions not stated): gnomAD exomes below 0.00001 and 0.00001; ExAC 0.00001.
gnomAD v4.1: 2 of 1,614,052 alleles (0.00012%); highest among the groups gnomAD compares: South Asian, 0.0022%; no homozygotes.

Submission:

Labcorp Genetics (formerly Invitae), Labcorp
Classification: Pathogenic for Deficiency of adenosine deaminase 2. Last evaluated: 2024-03-11. Review status: criteria provided, single submitter. Criteria: Invitae Variant Classification Sherloc (09022015). Collection method: clinical testing. Allele origin: germline.
Comment: This sequence change replaces tyrosine, which is neutral and polar, with cysteine, which is neutral and slightly polar, at codon 456 of the ADA2 protein (p.Tyr456Cys). This variant is present in population databases (rs747774101, gnomAD 0.006%). This missense change has been observed in individual(s) with deficiency of adenosine deaminase 2 (PMID: 29600946, 30692987, 34324127; Invitae). In at least one individual the data is consistent with being in trans (on the opposite chromosome) from a pathogenic variant. It has also been observed to segregate with disease in related individuals. ClinVar contains an entry for this variant (Variation ID: 624611). Advanced modeling of protein sequence and biophysical properties (such as structural, functional, and spatial information, amino acid conservation, physicochemical variation, residue mobility, and thermodynamic stability) performed at Invitae indicates that this missense variant is expected to disrupt ADA2 protein function with a positive predictive value of 80%. For these reasons, this variant has been classified as Pathogenic.

Literature cited by the submitters: PubMed 29600946; PubMed 30692987; PubMed 34324127.